The following is an entry in ClinVar:

NM_001999.4(FBN2):c.8344C>T (p.His2782Tyr)

Gene: FBN2 (fibrillin 2; minus strand). Cytogenetic location: 5q23.3.
Variant type: single nucleotide variant.
Coding change: c.8344C>T on transcript NM_001999.4 (MANE Select); coding-DNA position 8344, C replaced by T.
Protein change: p.His2782Tyr; replaces histidine 2782 with tyrosine.
Molecular consequence: missense variant.
Genome position (GRCh38, 1-based): chr5:128,261,756, G>A on the plus strand (C>T on the coding strand, the complement: FBN2 is on the minus strand). VCF-style: chr5-128261756-G-A. GRCh37 (hg19) VCF-style: chr5-127597448-G-A.
Other names: short protein forms H2782Y.
Identifiers: ClinVar variation 213257 (VCV000213257.7), dbSNP rs745600341, ClinGen allele CA320086.

ClinVar aggregate classification (germline): Likely benign. Review status: criteria provided, multiple submitters, no conflicts (2 of 4 stars). 3 submissions from 3 submitters: Likely benign (3). Last evaluated 2024-03-18.

Conditions:
Familial thoracic aortic aneurysm and aortic dissection (TAAD). Also called: Thoracic aortic aneurysms and dissections. Identifiers: Orphanet 91387, MedGen C4707243, MONDO:0019625.
Congenital contractural arachnodactyly (CCA). Also called: Beals-Hecht syndrome; BEALS SYNDROME; Arthrogryposis, distal, type 9. Identifiers: Orphanet 115, MedGen C0220668, MONDO:0007363, OMIM 121050.

Allele frequency attached by ClinVar (database versions not stated): gnomAD 0.00001; TOPMed 0.00001; ExAC 0.00002; gnomAD exomes 0.00002.
gnomAD v4.1: 17 of 1,614,052 alleles (0.0011%); highest among the groups gnomAD compares: African/African-American, 0.0013%; no homozygotes.

Submissions (3):

Ambry Genetics
Classification: Likely benign for Familial thoracic aortic aneurysm and aortic dissection. Last evaluated: 2024-03-18. Review status: criteria provided, single submitter. Criteria: Ambry Variant Classification Scheme 2023. Collection method: clinical testing. Allele origin: germline.

Labcorp Genetics (formerly Invitae), Labcorp
Classification: Likely benign for Congenital contractural arachnodactyly. Last evaluated: 2024-02-15. Review status: criteria provided, single submitter. Criteria: Invitae Variant Classification Sherloc (09022015). Collection method: clinical testing. Allele origin: germline.

GeneDx
Classification: Likely benign. Last evaluated: 2013-09-12. Review status: criteria provided, single submitter. Criteria: GeneDx Variant Classification (06012015). Collection method: clinical testing. Allele origin: germline. Affected: yes.
Comment: This variant is considered likely benign or benign based on one or more of the following criteria: it is a conservative change, it occurs at a poorly conserved position in the protein, it is predicted to be benign by multiple in silico algorithms, and/or has population frequency not consistent with disease.